The following is an entry in ClinVar:

NM_004990.4(MARS1):c.527T>G (p.Leu176Arg)

Gene: MARS1 (methionyl-tRNA synthetase 1; plus strand). Cytogenetic location: 12q13.3.
Variant type: single nucleotide variant.
Coding change: c.527T>G on transcript NM_004990.4 (MANE Select); coding-DNA position 527, T replaced by G.
Protein change: p.Leu176Arg; replaces leucine 176 with arginine.
Molecular consequence: missense variant.
Genome position (GRCh38, 1-based): chr12:57,490,243, T>G. VCF-style: chr12-57490243-T-G. GRCh37 (hg19) VCF-style: chr12-57884026-T-G.
Other names: short protein forms L176R.
Identifiers: ClinVar variation 1800044 (VCV001800044.2), dbSNP rs1252738273, ClinGen allele CA385491855.
Genomic context (GRCh38, chr12:57,490,243, plus strand): 5'-TTTTCTTTTCTTCCATACCCACAGAGGAGCTGAGTGCCCTGCACAGCTGGTTCCAGACAC[T>G]GAGTACCCAGGAACCATGTCAGCGAGCTGCAGAGACTGTACTGAAACAGCAAGGTGTCCT-3'
Protein context (NP_004981.2, residues 166-186): LSALHSWFQT[Leu176Arg]STQEPCQRAA

ClinVar aggregate classification (germline): Uncertain significance (1 of 4 stars; one submission).

Submission:

Ambry Genetics
Classification: Uncertain significance. Last evaluated: 2022-05-03. Review status: criteria provided, single submitter. Criteria: Ambry Variant Classification Scheme 2023. Collection method: clinical testing. Allele origin: germline.
Comment: The p.L176R variant (also known as c.527T>G), located in coding exon 6 of the MARS gene, results from a T to G substitution at nucleotide position 527. The leucine at codon 176 is replaced by arginine, an amino acid with dissimilar properties. This amino acid position is conserved. In addition, the in silico prediction for this alteration is inconclusive. Since supporting evidence is limited at this time, the clinical significance of this alteration remains unclear.